The following is an entry in ClinVar:

NC_000012.11:g.(?_88479796)_(88514963_?)del

Gene: CEP290 (centrosomal protein 290; minus strand). Cytogenetic location: 12q21.32.
Variant type: Deletion.
Identifiers: ClinVar variation 1459016 (VCV001459016.4).

ClinVar aggregate classification (germline): Pathogenic (1 of 4 stars; one submission).

Conditions:
Nephronophthisis. Also called: Juvenile Nephronophthisis. Identifiers: Orphanet 655, MedGen C0687120, MONDO:0019005, HP:0000090.
Meckel-Gruber syndrome. Also called: DYSENCEPHALIA SPLANCHNOCYSTICA; GRUBER SYNDROME; Dysencephalia splachnocystica. Identifiers: Orphanet 564, MedGen C0265215, MONDO:0018921.
Joubert syndrome. Also called: CEREBELLOPARENCHYMAL DISORDER IV; JOUBERT-BOLTSHAUSER SYNDROME; Familial aplasia of the vermis. Identifiers: Orphanet 475, MedGen C5979921, MONDO:0018772.

Submission:

Labcorp Genetics (formerly Invitae), Labcorp
Classification: Pathogenic for Joubert syndrome; Meckel-Gruber syndrome; Nephronophthisis. Last evaluated: 2021-02-05. Review status: criteria provided, single submitter. Criteria: Invitae Variant Classification Sherloc (09022015). Collection method: clinical testing. Allele origin: germline.
Comment: For these reasons, this variant has been classified as Pathogenic. This variant has not been reported in the literature in individuals with CEP290-related conditions. This variant is a gross deletion of the genomic region encompassing exon(s) 14-34 of the CEP290 gene. This deletion is out-of-frame, and is expected to create a premature translational stop signal and result in an absent or disrupted protein product. Loss-of-function variants in CEP290 are known to be pathogenic (PMID: 16909394, 17345604, 20690115).

Literature cited by the submitters: PubMed 16909394; PubMed 17345604; PubMed 20690115.